The following is an entry in ClinVar:

ClinVar aggregate classification (germline): Uncertain significance (1 of 4 stars; one submission).

Conditions:
Maple syrup urine disease, mild variant (MSUDMV). Identifiers: Orphanet 511, MedGen C3554575, MONDO:0014057, OMIM 615135.

Submission:

Labcorp Genetics (formerly Invitae), Labcorp
Classification: Uncertain significance for Maple syrup urine disease, mild variant. Last evaluated: 2022-06-13. Review status: criteria provided, single submitter. Criteria: Invitae Variant Classification Sherloc (09022015). Collection method: clinical testing. Allele origin: germline.
Comment: This variant has not been reported in the literature in individuals affected with PPM1K-related conditions. This variant is not present in population databases (gnomAD no frequency). This sequence change replaces glutamine, which is neutral and polar, with proline, which is neutral and non-polar, at codon 16 of the PPM1K protein (p.Gln16Pro). ClinVar contains an entry for this variant (Variation ID: 1051463). In summary, the available evidence is currently insufficient to determine the role of this variant in disease. Therefore, it has been classified as a Variant of Uncertain Significance. Algorithms developed to predict the effect of missense changes on protein structure and function are either unavailable or do not agree on the potential impact of this missense change (SIFT: "Deleterious"; PolyPhen-2: "Benign"; Align-GVGD: "Class C0").

NM_152542.5(PPM1K):c.47A>C (p.Gln16Pro)

Gene: PPM1K (protein phosphatase, Mg2+/Mn2+ dependent 1K; minus strand). Cytogenetic location: 4q22.1.
Variant type: single nucleotide variant.
Coding change: c.47A>C on transcript NM_152542.5 (MANE Select); coding-DNA position 47, A replaced by C.
Protein change: p.Gln16Pro; replaces glutamine 16 with proline.
Molecular consequence: missense variant.
Genome position (GRCh38, 1-based): chr4:88,278,537, T>G on the plus strand (A>C on the coding strand, the complement: PPM1K is on the minus strand). VCF-style: chr4-88278537-T-G. GRCh37 (hg19) VCF-style: chr4-89199689-T-G.
Other names: short protein forms Q16P.
Identifiers: ClinVar variation 1051463 (VCV001051463.9), dbSNP rs2110171996, ClinGen allele CA357708468.